The following is an entry in ClinVar:

NM_018975.4(TERF2IP):c.551A>G (p.Tyr184Cys)

Gene: TERF2IP (TERF2 interacting protein; plus strand). Cytogenetic location: 16q23.1.
Variant type: single nucleotide variant.
Coding change: c.551A>G on transcript NM_018975.4 (MANE Select); coding-DNA position 551, A replaced by G.
Protein change: p.Tyr184Cys; replaces tyrosine 184 with cysteine.
Molecular consequence: missense variant. On other transcripts: non-coding transcript variant (1).
Genome position (GRCh38, 1-based): chr16:75,648,433, A>G. VCF-style: chr16-75648433-A-G. GRCh37 (hg19) VCF-style: chr16-75682331-A-G.
Other names: short protein forms Y184C.
Identifiers: ClinVar variation 2497026 (VCV002497026.2), dbSNP rs747503294, ClinGen allele CA8178012.

ClinVar aggregate classification (germline): Uncertain significance (1 of 4 stars; one submission).

Allele frequency attached by ClinVar (database versions not stated): TOPMed below 0.00001; ExAC 0.00002.
gnomAD v4.1: 2 of 1,603,534 alleles (0.00012%); highest among the groups gnomAD compares: Non-Finnish European, 0.00017%; no homozygotes.

Submission:

Ambry Genetics
Classification: Uncertain significance. Last evaluated: 2023-02-15. Review status: criteria provided, single submitter. Criteria: Ambry Variant Classification Scheme 2023. Collection method: clinical testing. Allele origin: germline.
Comment: The p.Y184C variant (also known as c.551A>G), located in coding exon 1 of the TERF2IP gene, results from an A to G substitution at nucleotide position 551. The tyrosine at codon 184 is replaced by cysteine, an amino acid with highly dissimilar properties. This amino acid position is conserved. In addition, this alteration is predicted to be deleterious by in silico analysis. Since supporting evidence is limited at this time, the clinical significance of this alteration remains unclear.